The following is an entry in ClinVar:

ClinVar aggregate classification (germline): Uncertain significance. Review status: criteria provided, multiple submitters, no conflicts (2 of 4 stars). 2 submissions from 2 submitters: Uncertain significance (2). Last evaluated 2025-06-17.

Conditions:
Cardiomyopathy (CMYO). Also called: Cardiomyopathies. Identifiers: Orphanet 167848, MedGen C0878544, MONDO:0004994, HP:0001638. Inheritance: Various modes of inheritance.

Submissions (2):

Color Diagnostics, LLC DBA Color Health
Classification: Uncertain significance for Cardiomyopathy. Last evaluated: 2025-06-17. Review status: criteria provided, single submitter. Criteria: ACMG Guidelines, 2015. Collection method: clinical testing. Allele origin: germline.
Comment: This missense variant replaces glycine with valine at codon 1886 of the RYR2 protein. Computational prediction suggests that this variant may not impact protein structure and function. To our knowledge, functional studies have not been reported for this variant. This variant has not been reported in individuals affected with RYR2-related disorders in the literature. This variant has not been identified in the general population by the Genome Aggregation Database (gnomAD). The available evidence is insufficient to determine the role of this variant in disease conclusively. Therefore, this variant is classified as a Variant of Uncertain Significance.

Women's Health and Genetics/Laboratory Corporation of America, LabCorp
Classification: Uncertain significance. Last evaluated: 2024-02-04. Review status: criteria provided, single submitter. Criteria: LabCorp Variant Classification Summary - May 2015. Collection method: clinical testing. Allele origin: germline.

NM_001035.3(RYR2):c.5657G>T (p.Gly1886Val)

Gene: RYR2 (ryanodine receptor 2; plus strand). Cytogenetic location: 1q43.
Variant type: single nucleotide variant.
Coding change: c.5657G>T on transcript NM_001035.3 (MANE Select); coding-DNA position 5657, G replaced by T.
Protein change: p.Gly1886Val; replaces glycine 1886 with valine.
Molecular consequence: missense variant.
Genome position (GRCh38, 1-based): chr1:237,614,785, G>T. VCF-style: chr1-237614785-G-T. GRCh37 (hg19) VCF-style: chr1-237778085-G-T.
Other names: short protein forms G1886V.
Identifiers: ClinVar variation 3068919 (VCV003068919.2), dbSNP rs1455192615, ClinGen allele CA345405678.